The following is an entry in ClinVar:

NM_018124.4(RFWD3):c.1376T>G (p.Leu459Arg)

Gene: RFWD3 (ring finger and WD repeat domain 3; minus strand). Cytogenetic location: 16q23.1.
Variant type: single nucleotide variant.
Coding change: c.1376T>G on transcript NM_018124.4 (MANE Select); coding-DNA position 1376, T replaced by G.
Protein change: p.Leu459Arg; replaces leucine 459 with arginine.
Molecular consequence: missense variant.
Genome position (GRCh38, 1-based): chr16:74,636,396, A>C on the plus strand (T>G on the coding strand, the complement: RFWD3 is on the minus strand). VCF-style: chr16-74636396-A-C. GRCh37 (hg19) VCF-style: chr16-74670294-A-C.
Other names: c.1376T>G, p.Leu459Arg (NM_001370534.1, NM_001370535.1, NM_001370536.1); c.542T>G, p.Leu181Arg (NM_001370537.1, NM_001370539.1, NM_001370540.1 and 3 more transcripts); short protein forms L181R, L459R.
Identifiers: ClinVar variation 2428415 (VCV002428415.6), dbSNP rs2543992741, ClinGen allele CA396761524.

ClinVar aggregate classification (germline): Uncertain significance (1 of 4 stars; one submission).

Allele frequency attached by ClinVar (database versions not stated): gnomAD exomes below 0.00001.
gnomAD v4.1: 2 of 1,614,230 alleles (0.00012%); highest among the groups gnomAD compares: Non-Finnish European, 0.00017%; no homozygotes.

Submission:

Labcorp Genetics (formerly Invitae), Labcorp
Classification: Uncertain significance. Last evaluated: 2022-05-29. Review status: criteria provided, single submitter. Criteria: Invitae Variant Classification Sherloc (09022015). Collection method: clinical testing. Allele origin: germline.
Comment: This sequence change replaces leucine, which is neutral and non-polar, with arginine, which is basic and polar, at codon 459 of the RFWD3 protein (p.Leu459Arg). In summary, the available evidence is currently insufficient to determine the role of this variant in disease. Therefore, it has been classified as a Variant of Uncertain Significance. Algorithms developed to predict the effect of missense changes on protein structure and function are either unavailable or do not agree on the potential impact of this missense change (SIFT: "Deleterious"; PolyPhen-2: "Possibly Damaging"; Align-GVGD: "Class C0"). This variant has not been reported in the literature in individuals affected with RFWD3-related conditions. This variant is not present in population databases (gnomAD no frequency).